The following is an entry in ClinVar:

ClinVar aggregate classification (germline): Pathogenic (1 of 4 stars; one submission).

Conditions:
Neuropathy, hereditary sensory and autonomic, type 2A (HSAN2A). Also called: ACROOSTEOLYSIS, GIACCAI TYPE; ACROOSTEOLYSIS, NEUROGENIC; WNK1-Related HSAN2 (HSAN2A); MORVAN DISEASE; NEUROPATHY, CONGENITAL SENSORY; NEUROPATHY, HEREDITARY SENSORY RADICULAR, AUTOSOMAL RECESSIVE. Identifiers: Orphanet 970, MedGen C2752089, MONDO:0024309, OMIM 201300.
Generalized epilepsy with febrile seizures plus, type 7 (GEFSP7). Also called: GEFS+, TYPE 7. Identifiers: Orphanet 36387, MedGen C2751778, MONDO:0013470, OMIM 613863.

Submission:

Labcorp Genetics (formerly Invitae), Labcorp
Classification: Pathogenic for Neuropathy, hereditary sensory and autonomic, type 2A; Generalized epilepsy with febrile seizures plus, type 7. Last evaluated: 2024-01-09. Review status: criteria provided, single submitter. Criteria: Invitae Variant Classification Sherloc (09022015). Collection method: clinical testing. Allele origin: germline.
Comment: This sequence change creates a premature translational stop signal (p.Ser1351Valfs*13) in the SCN9A gene. It is expected to result in an absent or disrupted protein product. Loss-of-function variants in SCN9A are known to be pathogenic (PMID: 17470132, 19304393). This variant is present in population databases (rs780686362, gnomAD 0.0009%). This variant has not been reported in the literature in individuals affected with SCN9A-related conditions. Algorithms developed to predict the effect of sequence changes on RNA splicing suggest that this variant may disrupt the consensus splice site. For these reasons, this variant has been classified as Pathogenic.

Literature cited by the submitters: PubMed 17470132; PubMed 19304393.

NM_001365536.1(SCN9A):c.4084del (p.Ser1362fs)

Genes: SCN1A-AS1 (SCN1A and SCN9A antisense RNA 1; plus strand), SCN9A (sodium voltage-gated channel alpha subunit 9; minus strand). Cytogenetic location: 2q24.3.
Variant type: Deletion.
Coding change: c.4084del on transcript NM_001365536.1 (MANE Select); coding-DNA position 4084, one base deleted (A; older notation c.4084delA).
Protein change: p.Ser1362fs; shifts the reading frame from serine 1362.
Molecular consequence: frameshift variant.
Genome position (GRCh38, 1-based): chr2:166,228,813, T deleted on the plus strand (A on the coding strand, the reverse complement: SCN9A is on the minus strand); the first of 2 consecutive T bases (chr2:166,228,813-166,228,814); deleting either gives the same sequence. VCF-style (leftmost placement, unchanged base first): chr2-166228812-CT-C. GRCh37 (hg19) VCF-style: chr2-167085322-CT-C.
Other names: c.4050delA, p.Ser1351Valfs (NM_002977.4); short protein forms S1351fs, S1362fs.
Identifiers: ClinVar variation 2932348 (VCV002932348.3), dbSNP rs780686362, ClinGen allele CA1943953.